The following is an entry in ClinVar:

ClinVar aggregate classification (germline): Likely benign (1 of 4 stars; one submission).

Submission:

CeGaT Center for Human Genetics Tuebingen
Classification: Likely benign. Last evaluated: 2022-08-01. Review status: criteria provided, single submitter. Criteria: CeGaT Center For Human Genetics Tuebingen Variant Classification Criteria Version 2. Collection method: clinical testing. Allele origin: germline. Affected: yes. Observed: 1 variant allele.
Comment: TMTC1: BP4, BP7

NM_001193451.2(TMTC1):c.75G>A (p.Ala25=)

Gene: TMTC1 (transmembrane O-mannosyltransferase targeting cadherins 1; minus strand). Cytogenetic location: 12p11.22.
Variant type: single nucleotide variant.
Coding change: c.75G>A on transcript NM_001193451.2 (MANE Select); coding-DNA position 75, G replaced by A.
Protein change: p.Ala25=; no amino-acid change (alanine 25 retained).
Molecular consequence: synonymous variant. On other transcripts: intron variant (1).
Genome position (GRCh38, 1-based): chr12:29,783,677, C>T on the plus strand (G>A on the coding strand, the complement: TMTC1 is on the minus strand). VCF-style: chr12-29783677-C-T. GRCh37 (hg19) VCF-style: chr12-29936610-C-T.
Other names: c.75G>A, p.Ala25= (NM_001367875.2); c.-23+631G>A (NM_175861.3).
Identifiers: ClinVar variation 2642810 (VCV002642810.24), dbSNP rs1300398995, ClinGen allele CA479114766.